The following is an entry in ClinVar:

NM_006164.5(NFE2L2):c.833A>G (p.Asn278Ser)

Gene: NFE2L2 (NFE2 like bZIP transcription factor 2; minus strand). Cytogenetic location: 2q31.2.
Variant type: single nucleotide variant.
Coding change: c.833A>G on transcript NM_006164.5 (MANE Select); coding-DNA position 833, A replaced by G.
Protein change: p.Asn278Ser; replaces asparagine 278 with serine.
Molecular consequence: missense variant.
Genome position (GRCh38, 1-based): chr2:177,231,770, T>C on the plus strand (A>G on the coding strand, the complement: NFE2L2 is on the minus strand). VCF-style: chr2-177231770-T-C. GRCh37 (hg19) VCF-style: chr2-178096498-T-C.
Other names: c.833A>G (NM_006164.3); c.785A>G, p.Asn262Ser (NM_001145412.3, NM_001313900.1, NM_001313901.1); c.764A>G, p.Asn255Ser (NM_001145413.3); c.743A>G, p.Asn248Ser (NM_001313902.2); c.614A>G, p.Asn205Ser (NM_001313903.2); c.533A>G, p.Asn178Ser (NM_001313904.1); short protein forms N248S, N278S, N178S, N205S, N255S, N262S.
Identifiers: ClinVar variation 1402591 (VCV001402591.10), dbSNP rs375627384, ClinGen allele CA1979785.

ClinVar aggregate classification (germline): Uncertain significance. Review status: criteria provided, multiple submitters, no conflicts (2 of 4 stars). 2 submissions from 2 submitters: Uncertain significance (2). Last evaluated 2025-11-15.

Allele frequency attached by ClinVar (database versions not stated): ExAC 0.00004; gnomAD exomes 0.00004; ESP Exome Variant Server 0.00008.
gnomAD v4.1: 122 of 1,614,116 alleles (0.0076%); highest among the groups gnomAD compares: Non-Finnish European, 0.0095%; no homozygotes.

Submissions (2):

Labcorp Genetics (formerly Invitae), Labcorp
Classification: Uncertain significance. Last evaluated: 2025-11-15. Review status: criteria provided, single submitter. Criteria: Invitae Variant Classification Sherloc (09022015). Collection method: clinical testing. Allele origin: germline.
Comment: This sequence change replaces asparagine, which is neutral and polar, with serine, which is neutral and polar, at codon 278 of the NFE2L2 protein (p.Asn278Ser). This variant is present in population databases (rs375627384, gnomAD 0.008%). This variant has not been reported in the literature in individuals affected with NFE2L2-related conditions. ClinVar contains an entry for this variant (Variation ID: 1402591). Invitae Evidence Modeling of protein sequence and biophysical properties (such as structural, functional, and spatial information, amino acid conservation, physicochemical variation, residue mobility, and thermodynamic stability) indicates that this missense variant is not expected to disrupt NFE2L2 protein function with a negative predictive value of 80%. In summary, the available evidence is currently insufficient to determine the role of this variant in disease. Therefore, it has been classified as a Variant of Uncertain Significance.

Ambry Genetics
Classification: Uncertain significance. Last evaluated: 2024-08-05. Review status: criteria provided, single submitter. Criteria: Ambry Variant Classification Scheme 2023. Collection method: clinical testing. Allele origin: germline.